The following is an entry in ClinVar:

ClinVar aggregate classification (germline): Benign/Likely benign. Review status: criteria provided, multiple submitters, no conflicts (2 of 4 stars). 4 submissions from 4 submitters: Benign (2); Likely benign (1). 1 of the submissions does not count toward it. Last evaluated 2026-01-07.

Conditions:
IL12RB2-related disorder. Also called: IL12RB2-related condition.

Allele frequency attached by ClinVar (database versions not stated): ESP Exome Variant Server 0.00038; gnomAD exomes 0.00055 and 0.00091; ExAC 0.00063; gnomAD 0.00098; 1000 Genomes Project 0.00100; 1000 Genomes Project 30x 0.00109; TOPMed 0.00149.
gnomAD v4.1: 973 of 1,601,360 alleles (0.061%); highest among the groups gnomAD compares: Admixed American, 0.43%; 4 homozygotes.

Submissions (4):

Labcorp Genetics (formerly Invitae), Labcorp
Classification: Benign. Last evaluated: 2026-01-07. Review status: criteria provided, single submitter. Criteria: Invitae Variant Classification Sherloc (09022015). Collection method: clinical testing. Allele origin: germline.

Blueprint Genetics
Classification: Likely benign. Last evaluated: 2024-11-25. Review status: criteria provided, single submitter. Criteria: ACMG Guidelines, 2015. Collection method: clinical testing. Allele origin: germline.

Breakthrough Genomics
Classification: Benign. Review status: criteria provided, single submitter. Criteria: ACMG Guidelines, 2015. Collection method: not provided. Allele origin: germline. Inheritance: Unknown mechanism. Affected: yes.

PreventionGenetics, part of Exact Sciences
Classification: Likely benign for IL12RB2-related condition. Last evaluated: 2023-06-02. Review status: no assertion criteria provided. Collection method: clinical testing. Allele origin: germline. Not counted in ClinVar's aggregate classification.
Comment: This variant is classified as likely benign based on ACMG/AMP sequence variant interpretation guidelines (Richards et al. 2015 PMID: 25741868, with internal and published modifications).

NM_001374259.2(IL12RB2):c.93C>T (p.Gly31=)

Gene: IL12RB2 (interleukin 12 receptor subunit beta 2; plus strand). Cytogenetic location: 1p31.3.
Variant type: single nucleotide variant.
Coding change: c.93C>T on transcript NM_001374259.2 (MANE Select); coding-DNA position 93, C replaced by T.
Protein change: p.Gly31=; no amino-acid change (glycine 31 retained).
Molecular consequence: synonymous variant. On other transcripts: non-coding transcript variant (2).
Genome position (GRCh38, 1-based): chr1:67,321,618, C>T. VCF-style: chr1-67321618-C-T. GRCh37 (hg19) VCF-style: chr1-67787301-C-T.
Other names: c.93C>T, p.Gly31= (NM_001258214.1, NM_001258215.1, NM_001258216.1 and 2 more transcripts).
Identifiers: ClinVar variation 715704 (VCV000715704.13), dbSNP rs149390309, ClinGen allele CA900113.